The following is an entry in ClinVar:

ClinVar aggregate classification (germline): Pathogenic. Review status: criteria provided, multiple submitters, no conflicts (2 of 4 stars). 2 submissions from 2 submitters: Pathogenic (2). Last evaluated 2024-07-24.

Conditions:
Hereditary cancer-predisposing syndrome. Also called: Tumor predisposition; Hereditary neoplastic syndrome; Neoplastic Syndromes, Hereditary; Hereditary Cancer Syndrome. Identifiers: Orphanet 140162, MedGen C0027672, MeSH D009386, MONDO:0015356.
Familial cancer of breast. Also called: Hereditary breast cancer; BREAST CANCER, FAMILIAL; hereditary breast carcinoma. Identifiers: Orphanet 227535, MedGen C0346153, MONDO:0016419, OMIM 114480. Disease mechanism: loss of function.

Submissions (2):

Ambry Genetics
Classification: Pathogenic for Hereditary cancer-predisposing syndrome. Last evaluated: 2024-07-24. Review status: criteria provided, single submitter. Criteria: Ambry Variant Classification Scheme 2023. Collection method: clinical testing. Allele origin: germline.
Comment: The c.1250delT pathogenic mutation, located in coding exon 4 of the BARD1 gene, results from a deletion of one nucleotide at nucleotide position 1250, causing a translational frameshift with a predicted alternate stop codon (p.L417Cfs*6). This variant is considered to be rare based on population cohorts in the Genome Aggregation Database (gnomAD). This alteration is expected to result in loss of function by premature protein truncation or nonsense-mediated mRNA decay. As such, this alteration is interpreted as a disease-causing mutation.

Myriad Genetics, Inc.
Classification: Pathogenic for Familial cancer of breast. Last evaluated: 2023-05-22. Review status: criteria provided, single submitter. Criteria: Myriad Autosomal Dominant, Autosomal Recessive and X-Linked Classification Criteria (2023). Collection method: clinical testing. Allele origin: unknown.
Comment: This variant is considered pathogenic. This variant creates a frameshift predicted to result in premature protein truncation.

NM_000465.4(BARD1):c.1250del (p.Leu417fs)

Gene: BARD1 (BRCA1 associated RING domain 1; minus strand). Cytogenetic location: 2q35.
Variant type: Deletion.
Coding change: c.1250del on transcript NM_000465.4 (MANE Select); coding-DNA position 1250, one base deleted (T; older notation c.1250delT).
Protein change: p.Leu417fs; shifts the reading frame from leucine 417.
Molecular consequence: frameshift variant. On other transcripts: non-coding transcript variant (2), intron variant (3).
Genome position (GRCh38, 1-based): chr2:214,780,624, A deleted on the plus strand (T on the coding strand, the reverse complement: BARD1 is on the minus strand); the first of 2 consecutive A bases (chr2:214,780,624-214,780,625); deleting either gives the same sequence. VCF-style (leftmost placement, unchanged base first): chr2-214780623-CA-C. GRCh37 (hg19) VCF-style: chr2-215645347-CA-C.
Other names: c.1193del, p.Leu398fs (NM_001282543.2); c.159-28069del (NM_001282548.2); c.215+16437del (NM_001282545.2); c.364+11673del (NM_001282549.2); c.1250delT (NM_000465.2); short protein forms L398fs, L417fs.
Identifiers: ClinVar variation 2583679 (VCV002583679.3), dbSNP rs2469501426, ClinGen allele CA2582342090.